The following is an entry in ClinVar:

NM_000138.5(FBN1):c.3149del (p.Ser1050fs)

Gene: FBN1 (fibrillin 1; minus strand). Cytogenetic location: 15q21.1.
Variant type: Deletion.
Coding change: c.3149del on transcript NM_000138.5 (MANE Select); coding-DNA position 3149, one base deleted (G; older notation c.3149delG).
Protein change: p.Ser1050fs; shifts the reading frame from serine 1050.
Molecular consequence: frameshift variant.
Genome position (GRCh38, 1-based): chr15:48,488,427, C deleted on the plus strand (G on the coding strand, the reverse complement: FBN1 is on the minus strand). VCF-style (leftmost placement, unchanged base first): chr15-48488426-GC-G. GRCh37 (hg19) VCF-style: chr15-48780623-GC-G.
Other names: short protein forms S1050fs.
Identifiers: ClinVar variation 1443351 (VCV001443351.6), dbSNP rs2141295207, ClinGen allele CA2573150845.
Genomic context (GRCh38, chr15:48,488,426, plus strand): 5'-ACCTGTGCAGTTCCTTTCTTCAGAATCAAGAGCAAAGCCGCTGTCACACCTGCACTTAAA[GC>G]TGCCAATGGTGTTTCTGCACTTGCCGTGGGTGCAGAGGCTGGGTATCATCTTGCACTCAT-3'

ClinVar aggregate classification (germline): Pathogenic (1 of 4 stars; one submission).

Conditions:
Marfan syndrome (MFS). Also called: MARFAN SYNDROME, TYPE I; Marfan syndrome type 1; Marfan's syndrome; Marfan syndrome, classic; FBN1-Related Marfan Syndrome. Identifiers: Orphanet 284963, Orphanet 558, MedGen C0024796, MONDO:0007947, OMIM 154700.
Familial thoracic aortic aneurysm and aortic dissection (TAAD). Also called: Thoracic aortic aneurysms and dissections. Identifiers: Orphanet 91387, MedGen C4707243, MONDO:0019625.

Submission:

Labcorp Genetics (formerly Invitae), Labcorp
Classification: Pathogenic for Marfan syndrome; Familial thoracic aortic aneurysm and aortic dissection. Last evaluated: 2021-04-30. Review status: criteria provided, single submitter. Criteria: Invitae Variant Classification Sherloc (09022015). Collection method: clinical testing. Allele origin: germline.
Comment: This sequence change creates a premature translational stop signal (p.Ser1050Thrfs*38) in the FBN1 gene. It is expected to result in an absent or disrupted protein product. Loss-of-function variants in FBN1 are known to be pathogenic (PMID: 17657824, 19293843). This variant is not present in population databases (ExAC no frequency). This variant has not been reported in the literature in individuals with FBN1-related conditions. For these reasons, this variant has been classified as Pathogenic.

Literature cited by the submitters: PubMed 17657824; PubMed 19293843.